The following is an entry in ClinVar:

ClinVar aggregate classification (germline): Uncertain significance (1 of 4 stars; one submission).

Conditions:
Familial intrahepatic cholestasis. Identifiers: Orphanet 284385, MedGen CN296401, MONDO:0017290.

gnomAD v4.1: 3 of 1,613,600 alleles (0.00019%); highest among the groups gnomAD compares: Non-Finnish European, 0.00017%; no homozygotes.

Submission:

Genomenon, Inc
Classification: Uncertain significance for Familial intrahepatic cholestasis. Last evaluated: 2026-04-14. Review status: criteria provided, single submitter. Criteria: Genomenon Sequence Variant Interpretation Standards - Updated. Collection method: curation. Allele origin: germline. Affected: yes.
Comment: ABCB4 p.Asp972Asn (c.2914G>A) is a missense variant that changes the amino acid at residue 972 from Aspartic acid to Asparagine. This variant has been observed in at least one proband with an ABCB4-related disorder (PMID:38610052;38343606;36550572). It is absent or not present at a significant frequency in gnomAD. In silico models predict that this variant is not damaging. In conclusion, we classify ABCB4 p.Asp972Asn (c.2914G>A) as a variant of uncertain significance.

Literature cited by the submitters: PubMed 38610052; PubMed 38343606; PubMed 36550572.

NM_000443.4(ABCB4):c.2914G>A (p.Asp972Asn)

Gene: ABCB4 (ATP binding cassette subfamily B member 4; minus strand). Cytogenetic location: 7q21.12.
Variant type: single nucleotide variant.
Coding change: c.2914G>A on transcript NM_000443.4 (MANE Select); coding-DNA position 2914, G replaced by A.
Protein change: p.Asp972Asn; replaces aspartic acid 972 with asparagine.
Molecular consequence: missense variant. On other transcripts: intron variant (1).
Genome position (GRCh38, 1-based): chr7:87,411,903, C>T on the plus strand (G>A on the coding strand, the complement: ABCB4 is on the minus strand). VCF-style: chr7-87411903-C-T. GRCh37 (hg19) VCF-style: chr7-87041219-C-T.
Other names: c.2914G>A, p.Asp972Asn (NM_018849.3); c.2783+1714G>A (NM_018850.3); short protein forms D972N.
Identifiers: ClinVar variation 4846424 (VCV004846424.1).